The following is an entry in ClinVar:

ClinVar aggregate classification (germline): Uncertain significance. Review status: criteria provided, multiple submitters, no conflicts (2 of 4 stars). 2 submissions from 2 submitters: Uncertain significance (2). Last evaluated 2025-06-01.

Conditions:
Marfan syndrome (MFS). Also called: Marfan's syndrome; Marfan syndrome, classic; MARFAN SYNDROME, TYPE I; Marfan syndrome type 1; FBN1-Related Marfan Syndrome. Identifiers: Orphanet 284963, Orphanet 558, MedGen C0024796, MONDO:0007947, OMIM 154700.
Familial thoracic aortic aneurysm and aortic dissection (TAAD). Also called: Thoracic aortic aneurysms and dissections. Identifiers: Orphanet 91387, MedGen C4707243, MONDO:0019625.

Allele frequency attached by ClinVar (database versions not stated): ExAC 0.00002.
gnomAD v4.1: 3 of 1,614,146 alleles (0.00019%); no homozygotes.

Submissions (2):

Labcorp Genetics (formerly Invitae), Labcorp
Classification: Uncertain significance for Marfan syndrome; Familial thoracic aortic aneurysm and aortic dissection. Last evaluated: 2025-06-01. Review status: criteria provided, single submitter. Criteria: Invitae Variant Classification Sherloc (09022015). Collection method: clinical testing. Allele origin: germline.
Comment: This sequence change replaces phenylalanine, which is neutral and non-polar, with leucine, which is neutral and non-polar, at codon 1105 of the FBN1 protein (p.Phe1105Leu). This variant is present in population databases (rs770232184, gnomAD 0.002%). This variant has not been reported in the literature in individuals affected with FBN1-related conditions. ClinVar contains an entry for this variant (Variation ID: 1730125). Invitae Evidence Modeling of protein sequence and biophysical properties (such as structural, functional, and spatial information, amino acid conservation, physicochemical variation, residue mobility, and thermodynamic stability) has been performed for this missense variant. However, the output from this modeling did not meet the statistical confidence thresholds required to predict the impact of this variant on FBN1 protein function. In summary, the available evidence is currently insufficient to determine the role of this variant in disease. Therefore, it has been classified as a Variant of Uncertain Significance.

Ambry Genetics
Classification: Uncertain significance for Familial thoracic aortic aneurysm and aortic dissection. Last evaluated: 2019-06-06. Review status: criteria provided, single submitter. Criteria: Ambry Variant Classification Scheme 2023. Collection method: clinical testing. Allele origin: germline.
Comment: The p.F1105L variant (also known as c.3315C>G), located in coding exon 26 of the FBN1 gene, results from a C to G substitution at nucleotide position 3315. The phenylalanine at codon 1105 is replaced by leucine, an amino acid with highly similar properties, and is located in the cbEGF-like #12 domain. This amino acid position is highly conserved in available vertebrate species. In addition, this alteration is predicted to be deleterious by in silico analysis. Since supporting evidence is limited at this time, the clinical significance of this alteration remains unclear.

NM_000138.5(FBN1):c.3315C>G (p.Phe1105Leu)

Gene: FBN1 (fibrillin 1; minus strand). Cytogenetic location: 15q21.1.
Variant type: single nucleotide variant.
Coding change: c.3315C>G on transcript NM_000138.5 (MANE Select); coding-DNA position 3315, C replaced by G.
Protein change: p.Phe1105Leu; replaces phenylalanine 1105 with leucine.
Molecular consequence: missense variant.
Genome position (GRCh38, 1-based): chr15:48,488,135, G>C on the plus strand (C>G on the coding strand, the complement: FBN1 is on the minus strand). VCF-style: chr15-48488135-G-C. GRCh37 (hg19) VCF-style: chr15-48780332-G-C.
Other names: c.3315C>G, p.Phe1105Leu (NM_001406716.1); short protein forms F1105L.
Identifiers: ClinVar variation 1730125 (VCV001730125.7), dbSNP rs770232184, ClinGen allele CA050278.